The following is an entry in ClinVar:

NM_138694.4(PKHD1):c.4099C>T (p.Gln1367Ter)

Gene: PKHD1 (PKHD1 ciliary IPT domain containing fibrocystin/polyductin; minus strand). Cytogenetic location: 6p12.2.
Variant type: single nucleotide variant.
Coding change: c.4099C>T on transcript NM_138694.4 (MANE Select); coding-DNA position 4099, C replaced by T.
Protein change: p.Gln1367Ter; replaces glutamine 1367 with a stop codon.
Molecular consequence: nonsense.
Genome position (GRCh38, 1-based): chr6:52,025,711, G>A on the plus strand (C>T on the coding strand, the complement: PKHD1 is on the minus strand). VCF-style: chr6-52025711-G-A. GRCh37 (hg19) VCF-style: chr6-51890509-G-A.
Other names: c.4099C>T, p.Gln1367Ter (NM_170724.3); short protein forms Q1367*.
Identifiers: ClinVar variation 4816657 (VCV004816657.1).

ClinVar aggregate classification (germline): Likely pathogenic (1 of 4 stars; one submission).

Conditions:
Autosomal recessive polycystic kidney disease (ARPKD). Also called: AR polycystic kidney disease. Identifiers: Orphanet 731, Orphanet 8378, MedGen C0085548, MeSH D017044, MONDO:0009889.

Submission:

Natera, Inc.
Classification: Likely pathogenic for Autosomal recessive polycystic kidney disease. Last evaluated: 2024-10-03. Review status: criteria provided, single submitter. Criteria: Natera Variant Classification Schema (03/2026). Collection method: clinical testing. Allele origin: germline.
Comment: The c.4099C>T variant in PKHD1 is a nonsense variant predicted to introduce a stop codon at amino acid 1367. This variant is expected to result in nonsense mediated decay, truncation, or a dysfunctional protein product. This variant is rare in the general population with a frequency below the threshold expected for the associated phenotype(s). Given the available evidence, this variant is classified as Likely Pathogenic.